The following is an entry in ClinVar:

ClinVar aggregate classification (germline): Conflicting classifications of pathogenicity. Review status: criteria provided, conflicting classifications (1 of 4 stars). 2 submissions from 2 submitters: Uncertain significance (1); Likely benign (1). Last evaluated 2025-11-21.

Conditions:
Hereditary hemorrhagic telangiectasia (HHT). Also called: ORW DISEASE; Osler Weber Rendu syndrome; OSLER-RENDU-WEBER DISEASE; Osler hemorrhagic telangiectasia syndrome. Identifiers: Orphanet 774, MedGen C0039445, MONDO:0019180. Disease mechanism: loss of function.
Cardiovascular phenotype. Identifiers: MedGen CN230736.

Allele frequency attached by ClinVar (database versions not stated): gnomAD 0.00002; TOPMed 0.00002; ExAC 0.00003; gnomAD exomes 0.00001.
gnomAD v4.1: 10 of 1,587,412 alleles (0.00063%); highest among the groups gnomAD compares: African/African-American, 0.004%; no homozygotes.

Submissions (2):

Labcorp Genetics (formerly Invitae), Labcorp
Classification: Likely benign for Hereditary hemorrhagic telangiectasia. Last evaluated: 2025-11-21. Review status: criteria provided, single submitter. Criteria: Invitae Variant Classification Sherloc (09022015). Collection method: clinical testing. Allele origin: germline.

Ambry Genetics
Classification: Uncertain significance for Cardiovascular phenotype. Last evaluated: 2023-10-06. Review status: criteria provided, single submitter. Criteria: Ambry Variant Classification Scheme 2023. Collection method: clinical testing. Allele origin: germline.
Comment: The p.T22A variant (also known as c.64A>G), located in coding exon 1 of the ENG gene, results from an A to G substitution at nucleotide position 64. The threonine at codon 22 is replaced by alanine, an amino acid with similar properties. This amino acid position is well conserved in available vertebrate species. In addition, this alteration is predicted to be tolerated by in silico analysis. Since supporting evidence is limited at this time, the clinical significance of this alteration remains unclear.

NM_001114753.3(ENG):c.64A>G (p.Thr22Ala)

Gene: ENG (endoglin; minus strand). Cytogenetic location: 9q34.11.
Variant type: single nucleotide variant.
Coding change: c.64A>G on transcript NM_001114753.3 (MANE Select); coding-DNA position 64, A replaced by G.
Protein change: p.Thr22Ala; replaces threonine 22 with alanine.
Molecular consequence: missense variant.
Genome position (GRCh38, 1-based): chr9:127,854,292, T>C on the plus strand (A>G on the coding strand, the complement: ENG is on the minus strand). VCF-style: chr9-127854292-T-C. GRCh37 (hg19) VCF-style: chr9-130616571-T-C.
Other names: c.64A>G, p.Thr22Ala (NM_000118.4, NM_001406715.1); c.64A>G (NM_001114753.1); short protein forms T22A.
Identifiers: ClinVar variation 1490607 (VCV001490607.8), dbSNP rs764472279, ClinGen allele CA5253260.